The following is an entry in ClinVar:

NM_006859.4(LIAS):c.120G>T (p.Gln40His)

Gene: LIAS (lipoic acid synthetase; plus strand). Cytogenetic location: 4p14.
Variant type: single nucleotide variant.
Coding change: c.120G>T on transcript NM_006859.4 (MANE Select); coding-DNA position 120, G replaced by T.
Protein change: p.Gln40His; replaces glutamine 40 with histidine.
Molecular consequence: missense variant.
Genome position (GRCh38, 1-based): chr4:39,460,864, G>T. VCF-style: chr4-39460864-G-T. GRCh37 (hg19) VCF-style: chr4-39462484-G-T.
Other names: c.120G>T, p.Gln40His (NM_001278590.2, NM_001278591.2, NM_001278592.2 and 2 more transcripts); short protein forms Q40H.
Identifiers: ClinVar variation 472877 (VCV000472877.7), dbSNP rs1041843537, ClinGen allele CA95724946.
Genomic context (GRCh38, chr4:39,460,864, plus strand): 5'-TTTTTGCAGCCCAGTCAGACCGTTAAGCTCCTTGCCAGATAAAAAAAAGGAACTCCTACA[G>T]AATGGACCAGACCTTCAAGATTTTGTATCTGGTGATCTTGCAGACAGGAGCACCTGGGAT-3'
Protein context (NP_006850.2, residues 30-50): SLPDKKKELL[Gln40His]NGPDLQDFVS

ClinVar aggregate classification (germline): Uncertain significance (1 of 4 stars; one submission).

Conditions:
Lipoic acid synthetase deficiency. Also called: HYPERGLYCINEMIA, LACTIC ACIDOSIS, AND SEIZURES. Identifiers: Orphanet 401859, MedGen C3280887, MONDO:0013762, OMIM 614462.

Allele frequency attached by ClinVar (database versions not stated): gnomAD exomes below 0.00001; TOPMed 0.00001.

Submission:

Labcorp Genetics (formerly Invitae), Labcorp
Classification: Uncertain significance for Lipoic acid synthetase deficiency. Last evaluated: 2022-06-13. Review status: criteria provided, single submitter. Criteria: Invitae Variant Classification Sherloc (09022015). Collection method: clinical testing. Allele origin: germline.
Comment: This sequence change replaces glutamine, which is neutral and polar, with histidine, which is basic and polar, at codon 40 of the LIAS protein (p.Gln40His). This variant is not present in population databases (gnomAD no frequency). This variant has not been reported in the literature in individuals affected with LIAS-related conditions. ClinVar contains an entry for this variant (Variation ID: 472877). Algorithms developed to predict the effect of missense changes on protein structure and function output the following: SIFT: "Tolerated"; PolyPhen-2: "Benign"; Align-GVGD: "Class C0". The histidine amino acid residue is found in multiple mammalian species, which suggests that this missense change does not adversely affect protein function. In summary, the available evidence is currently insufficient to determine the role of this variant in disease. Therefore, it has been classified as a Variant of Uncertain Significance.